The following is an entry in ClinVar:

ClinVar aggregate classification (germline): Pathogenic (1 of 4 stars; one submission).

Conditions:
Early-infantile DEE. Also called: Early infantile epileptic encephalopathy; Early infantile epileptic encephalopathy with suppression bursts; Ohtahara syndrome. Identifiers: Orphanet 1934, MedGen C0393706, MONDO:0800491.

Submission:

Labcorp Genetics (formerly Invitae), Labcorp
Classification: Pathogenic for Early-infantile DEE. Last evaluated: 2022-06-08. Review status: criteria provided, single submitter. Criteria: Invitae Variant Classification Sherloc (09022015). Collection method: clinical testing. Allele origin: germline.
Comment: For these reasons, this variant has been classified as Pathogenic. Algorithms developed to predict the effect of sequence changes on RNA splicing suggest that this variant may disrupt the consensus splice site. This variant is also known as c.2044_2delA. Disruption of this splice site has been observed in individual(s) with Dravet syndrome (PMID: 34338318). This variant is not present in population databases (gnomAD no frequency). This sequence change affects a splice site in intron 11 of the SCN1A gene. It is expected to disrupt RNA splicing. Variants that disrupt the donor or acceptor splice site typically lead to a loss of protein function (PMID: 16199547), and loss-of-function variants in SCN1A are known to be pathogenic (PMID: 17347258, 18930999).

Literature cited by the submitters: PubMed 34338318; PubMed 16199547; PubMed 17347258; PubMed 18930999.

NM_001165963.4(SCN1A):c.2044-2del

Gene: SCN1A (sodium voltage-gated channel alpha subunit 1; minus strand). Cytogenetic location: 2q24.3.
Variant type: Deletion.
Coding change: c.2044-2del on transcript NM_001165963.4 (MANE Select); the canonical splice acceptor site of the intron before coding-DNA position 2044, one base deleted (A; older notation c.2044-2delA).
Molecular consequence: splice acceptor variant.
Genome position (GRCh38, 1-based): chr2:166,042,426, T deleted on the plus strand (A on the coding strand, the reverse complement: SCN1A is on the minus strand). VCF-style (leftmost placement, unchanged base first): chr2-166042425-CT-C. GRCh37 (hg19) VCF-style: chr2-166898935-CT-C.
Other names: c.2011-2del (NM_001353949.2, NM_001353950.2, NM_001353951.2 and 2 more transcripts); c.1960-2del (NM_001353958.2, NM_001353957.2, NM_001165964.3); c.2044-2del (NM_001202435.3, NM_001353948.2); c.2008-2del (NM_001353955.2, NM_001353954.2); c.1957-2del (NM_001353960.2); c.-415-2del (NM_001353961.2).
Identifiers: ClinVar variation 2098182 (VCV002098182.4), dbSNP rs2468142195, ClinGen allele CA2580064755.
Genomic context (GRCh38, chr2:166,042,425, plus strand): 5'-CATGGAAACGTGGAAAGAACTTGACCTTCTCTTTCTCATTTCAGTTTCAGTGGTTGTTCC[CT>C]GTAAAAAAAAATGCTAATGCATTAAACAATTAATTTGAGCAATATGACAAGCAAACAACC-3'